The following is an entry in ClinVar:

ClinVar aggregate classification (germline): Likely benign (1 of 4 stars; one submission).

gnomAD v4.1: 1 of 1,613,854 alleles (0.000062%); highest among the groups gnomAD compares: Non-Finnish European, 0.000085%; no homozygotes.

Submission:

CeGaT Center for Human Genetics Tuebingen
Classification: Likely benign. Last evaluated: 2026-09-01. Review status: criteria provided, single submitter. Criteria: CeGaT Center For Human Genetics Tuebingen Variant Classification Criteria Version 2. Collection method: clinical testing. Allele origin: germline. Affected: yes. Observed: 2 variant alleles.
Comment: MUSK: BP4, BP7

NM_005592.4(MUSK):c.2061T>C (p.Ala687=)

Gene: MUSK (muscle associated receptor tyrosine kinase; plus strand). Cytogenetic location: 9q31.3.
Variant type: single nucleotide variant.
Coding change: c.2061T>C on transcript NM_005592.4 (MANE Select); coding-DNA position 2061, T replaced by C.
Protein change: p.Ala687=; no amino-acid change (alanine 687 retained).
Molecular consequence: synonymous variant.
Genome position (GRCh38, 1-based): chr9:110,800,439, T>C. VCF-style: chr9-110800439-T-C. GRCh37 (hg19) VCF-style: chr9-113562719-T-C.
Other names: c.1803T>C, p.Ala601= (NM_001166280.2); c.1773T>C, p.Ala591= (NM_001166281.2); c.801T>C, p.Ala267= (NM_001369398.1).
Identifiers: ClinVar variation 4873120 (VCV004873120.2).